The following is an entry in ClinVar:

ClinVar aggregate classification (germline): Uncertain significance (1 of 4 stars; one submission).

Submission:

Labcorp Genetics (formerly Invitae), Labcorp
Classification: Uncertain significance. Last evaluated: 2023-02-03. Review status: criteria provided, single submitter. Criteria: Invitae Variant Classification Sherloc (09022015). Collection method: clinical testing. Allele origin: germline.
Comment: In summary, the available evidence is currently insufficient to determine the role of this variant in disease. Therefore, it has been classified as a Variant of Uncertain Significance. Algorithms developed to predict the effect of missense changes on protein structure and function (SIFT, PolyPhen-2, Align-GVGD) all suggest that this variant is likely to be tolerated. This variant has not been reported in the literature in individuals affected with SORL1-related conditions. This variant is not present in population databases (gnomAD no frequency). This sequence change replaces alanine, which is neutral and non-polar, with glycine, which is neutral and non-polar, at codon 808 of the SORL1 protein (p.Ala808Gly).

NM_003105.6(SORL1):c.2423C>G (p.Ala808Gly)

Genes: SORL1 (sortilin related receptor 1; plus strand), LOC114803469 (SORL1 eExon liver enhancer; plus strand). Cytogenetic location: 11q24.1.
Variant type: single nucleotide variant.
Coding change: c.2423C>G on transcript NM_003105.6 (MANE Select); coding-DNA position 2423, C replaced by G.
Protein change: p.Ala808Gly; replaces alanine 808 with glycine.
Molecular consequence: missense variant.
Genome position (GRCh38, 1-based): chr11:121,554,093, C>G. VCF-style: chr11-121554093-C-G. GRCh37 (hg19) VCF-style: chr11-121424802-C-G.
Other names: short protein forms A808G.
Identifiers: ClinVar variation 2834064 (VCV002834064.3), dbSNP rs2496886814, ClinGen allele CA383033947.